The following is an entry in ClinVar:

NM_138694.4(PKHD1):c.6332+2T>A

Gene: PKHD1 (PKHD1 ciliary IPT domain containing fibrocystin/polyductin; minus strand). Cytogenetic location: 6p12.2.
Variant type: single nucleotide variant.
Coding change: c.6332+2T>A on transcript NM_138694.4 (MANE Select); the canonical splice donor site of the intron after coding-DNA position 6332, T replaced by A.
Molecular consequence: splice donor variant.
Genome position (GRCh38, 1-based): chr6:51,912,364, A>T on the plus strand (T>A on the coding strand, the complement: PKHD1 is on the minus strand). VCF-style: chr6-51912364-A-T. GRCh37 (hg19) VCF-style: chr6-51777162-A-T.
Other names: c.6332+2T>A (NM_170724.3).
Identifiers: ClinVar variation 975053 (VCV000975053.15), dbSNP rs1783090781, ClinGen allele CA364439118.

ClinVar aggregate classification (germline): Pathogenic/Likely pathogenic. Review status: criteria provided, multiple submitters, no conflicts (2 of 4 stars). 7 submissions from 7 submitters: Pathogenic (5); Likely pathogenic (1). 1 of the submissions does not count toward it. Last evaluated 2025-12-15.

Conditions:
Autosomal recessive polycystic kidney disease (ARPKD). Also called: AR polycystic kidney disease. Identifiers: Orphanet 731, Orphanet 8378, MedGen C0085548, MeSH D017044, MONDO:0009889.
PKHD1-related disorder. Also called: PKHD1-related condition.
Polycystic kidney disease 4 (PKD4). Also called: POLYCYSTIC KIDNEY DISEASE 4 WITH OR WITHOUT POLYCYSTIC LIVER DISEASE; PKD3; POLYCYSTIC KIDNEY AND HEPATIC DISEASE 1; POLYCYSTIC KIDNEY DISEASE, INFANTILE, TYPE I; Autosomal Recessive Polycystic Kidney Disease – PKHD1. Identifiers: MedGen C4540575, MONDO:0033004, OMIM 263200.
Polycystic kidney disease. Also called: Kidney, Polycystic; Polycystic kidney dysplasia. Identifiers: MedGen C0022680, MeSH D007690, MONDO:0020642, HP:0000113.

gnomAD v4.1: 1 of 1,592,944 alleles (0.000063%); no homozygotes.

Submissions (7):

Natera, Inc.
Classification: Pathogenic for Autosomal recessive polycystic kidney disease. Last evaluated: 2025-12-15. Review status: criteria provided, single submitter. Criteria: Natera Variant Classification Schema (03/2026). Collection method: clinical testing. Allele origin: germline.
Comment: The c.6332+2T>A variant in PKHD1 is a canonical splice donor site variant predicted to affect pre-mRNA splicing, which may result in an abnormal transcript and altered protein product. This variant is expected to result in nonsense mediated decay, truncation, or a dysfunctional protein product. This variant is rare in the general population with a frequency below the threshold expected for the associated phenotype(s). This variant has been observed in one or more individuals affected with the associated recessive disease, as either homozygous or compound heterozygous with a second variant (PMID: 32939031). Given the available evidence, this variant is classified as Pathogenic.

CeGaT Center for Human Genetics Tuebingen
Classification: Pathogenic. Last evaluated: 2025-04-01. Review status: criteria provided, single submitter. Criteria: CeGaT Center For Human Genetics Tuebingen Variant Classification Criteria Version 2. Collection method: clinical testing. Allele origin: germline. Affected: yes. Observed: 2 variant alleles.
Comment: PKHD1: PVS1, PM2, PM3

Clinical Genetics Laboratory, Skane University Hospital Lund
Classification: Pathogenic for Polycystic kidney disease. Last evaluated: 2025-01-28. Review status: criteria provided, single submitter. Criteria: ACMG Guidelines, 2015. Collection method: clinical testing. Allele origin: biparental. Inheritance: Autosomal recessive inheritance. Affected: yes.
Comment: ACMG criteria used: PVS1, PM2, PM3

Baylor Genetics
Classification: Pathogenic for Polycystic kidney disease 4. Last evaluated: 2024-03-29. Review status: criteria provided, single submitter. Criteria: ACMG Guidelines, 2015. Collection method: clinical testing. Allele origin: unknown.

PreventionGenetics, part of Exact Sciences
Classification: Pathogenic for PKHD1-related condition. Last evaluated: 2023-01-27. Review status: criteria provided, single submitter. Criteria: ACMG Guidelines, 2015. Collection method: clinical testing. Allele origin: germline.
Comment: The PKHD1 c.6332+2T>A variant is predicted to disrupt the GT donor site and interfere with normal splicing. This variant was reported in the compound heterozygous state in an individual with polycystic kidney disease (Patient P002 in Supplemental Table 2, Jayasinghe et al. 2021. PubMed ID: 32939031). This variant has not been reported in a large population database, indicating this variant is rare. Variants that disrupt the consensus splice donor site in PKHD1 are expected to be pathogenic. This variant is interpreted as pathogenic.

Blueprint Genetics
Classification: Likely pathogenic for PKHD1-related disorders. Last evaluated: 2020-06-01. Review status: criteria provided, single submitter. Criteria: ACMG Guidelines, 2015. Collection method: clinical testing. Allele origin: germline. Affected: yes. Observed: 4 variant alleles.

Victorian Clinical Genetics Services, Murdoch Childrens Research Institute
Classification: Uncertain significance for Polycystic kidney disease 4. Last evaluated: 2018-05-21. Review status: flagged submission. Criteria: ACMG Guidelines, 2015. Collection method: clinical testing. Allele origin: unknown. Affected: yes. Not counted in ClinVar's aggregate classification.
Comment: A heterozygous canonical splice-site variant, NM_138694.3(PKHD1):c.6332+2T>A, has been identified in intron 38 of 66 of the PKHD1 gene. The variant is likely to cause a splice defect, resulting in frameshift and likely causing non-sense mediated decay. The nucleotide at this position has very high conservation (Phylop UCSC). This nucleotide substitution is predicted to cause aberrant splicing and may result in a truncated protein; further testing via RNA studies are required to confirm if splicing is altered. The variant is absent in population databases (gnomAD, dbSNP, 1000G), and has not been previously reported in clinical cases. Based on the information available at the time of curation, this variant has been classified as VARIANT of UNCERTAIN SIGNIFICANCE (VUS) with POTENTIAL CLINICAL RELEVANCE.
ClinVar note: Reason: Older claim that does not account for recent evidence

Literature cited by the submitters: PubMed 32939031 (cited by Natera, Inc.).